The following is an entry in ClinVar:

ClinVar aggregate classification (germline): Likely pathogenic (0 of 4 stars; one submission).

Conditions:
TTC29-related condition.

gnomAD v4.1: 543 of 1,463,458 alleles (0.037%); highest among the groups gnomAD compares: Non-Finnish European, 0.047%; 1 homozygote.

Submission:

PreventionGenetics, part of Exact Sciences
Classification: Likely pathogenic for TTC29-related condition. Last evaluated: 2024-08-29. Review status: no assertion criteria provided. Collection method: clinical testing. Allele origin: germline.
Comment: The TTC29 c.878-1G>A variant is predicted to disrupt the AG splice acceptor site and interfere with normal splicing. To our knowledge, this variant has not been reported in the literature. This variant is reported in 0.043% of alleles in individuals of Latino descent in gnomAD. Variants that disrupt the consensus splice acceptor site in TTC29 are expected to be pathogenic. This variant is interpreted as likely pathogenic.

NM_031956.4(TTC29):c.800-1G>A

Gene: TTC29 (tetratricopeptide repeat domain 29; minus strand). Cytogenetic location: 4q31.22.
Variant type: single nucleotide variant.
Coding change: c.800-1G>A on transcript NM_031956.4 (MANE Select); the canonical splice acceptor site of the intron before coding-DNA position 800, G replaced by A.
Molecular consequence: splice acceptor variant.
Genome position (GRCh38, 1-based): chr4:146,867,584, C>T on the plus strand (G>A on the coding strand, the complement: TTC29 is on the minus strand). VCF-style: chr4-146867584-C-T. GRCh37 (hg19) VCF-style: chr4-147788736-C-T.
Other names: c.800-1G>A (NM_001317806.3); c.878-1G>A (NM_001300761.4).
Identifiers: ClinVar variation 3350480 (VCV003350480.1).